The following is an entry in ClinVar:

NM_002335.4(LRP5):c.2713G>A (p.Asp905Asn)

Gene: LRP5 (LDL receptor related protein 5; plus strand). Cytogenetic location: 11q13.2.
Variant type: single nucleotide variant.
Coding change: c.2713G>A on transcript NM_002335.4 (MANE Select); coding-DNA position 2713, G replaced by A.
Protein change: p.Asp905Asn; replaces aspartic acid 905 with asparagine.
Molecular consequence: missense variant.
Genome position (GRCh38, 1-based): chr11:68,413,898, G>A. VCF-style: chr11-68413898-G-A. GRCh37 (hg19) VCF-style: chr11-68181366-G-A.
Other names: p.Asp905Asn; c.970G>A, p.Asp324Asn (NM_001291902.2); short protein forms D324N, D905N.
Identifiers: ClinVar variation 3380033 (VCV003380033.3).

ClinVar aggregate classification (germline): Uncertain significance. Review status: criteria provided, multiple submitters, no conflicts (2 of 4 stars). 3 submissions from 3 submitters: Uncertain significance (3). Last evaluated 2025-09-20.

Conditions:
Autosomal dominant osteopetrosis 1 (OPTA1). Also called: OSTEOPETROSIS, AUTOSOMAL DOMINANT, TYPE I. Identifiers: Orphanet 2783, MedGen C1843330, MONDO:0011877, OMIM 607634.
Bone mineral density quantitative trait locus 1 (BMND1). Identifiers: MedGen C1866079, OMIM 601884.
Worth disease. Also called: ENDOSTEAL HYPEROSTOSIS, AUTOSOMAL DOMINANT; OSTEOSCLEROSIS, AUTOSOMAL DOMINANT; Autosomal dominant osteosclerosis, Worth type. Identifiers: Orphanet 2790, MedGen C0432273, MONDO:0007764, OMIM 144750.
Polycystic liver disease 4 with or without kidney cysts. Identifiers: MedGen C4693479, MONDO:0044327, OMIM 617875.
Exudative vitreoretinopathy 4 (EVR4). Identifiers: Orphanet 891, MedGen C1866176, MONDO:0011151, OMIM 601813.
Osteoporosis with pseudoglioma (OPPG). Also called: osteoporosis-pseudoglioma syndrome. Identifiers: Orphanet 2788, MedGen C0432252, MONDO:0009820, OMIM 259770.

gnomAD v4.1: 16 of 1,612,864 alleles (0.00099%); highest among the groups gnomAD compares: Non-Finnish European, 0.00076%; no homozygotes.

Submissions (3):

Labcorp Genetics (formerly Invitae), Labcorp
Classification: Uncertain significance. Last evaluated: 2025-09-20. Review status: criteria provided, single submitter. Criteria: Invitae Variant Classification Sherloc (09022015). Collection method: clinical testing. Allele origin: germline.
Comment: This sequence change replaces aspartic acid, which is acidic and polar, with asparagine, which is neutral and polar, at codon 905 of the LRP5 protein (p.Asp905Asn). This variant is present in population databases (rs758494958, gnomAD 0.02%). This variant has not been reported in the literature in individuals affected with LRP5-related conditions. ClinVar contains an entry for this variant (Variation ID: 3380033). Invitae Evidence Modeling of protein sequence and biophysical properties (such as structural, functional, and spatial information, amino acid conservation, physicochemical variation, residue mobility, and thermodynamic stability) has been performed for this missense variant. However, the output from this modeling did not meet the statistical confidence thresholds required to predict the impact of this variant on LRP5 protein function. In summary, the available evidence is currently insufficient to determine the role of this variant in disease. Therefore, it has been classified as a Variant of Uncertain Significance.

Fulgent Genetics
Classification: Uncertain significance for Worth disease; Osteoporosis with pseudoglioma; Exudative vitreoretinopathy 4; Bone mineral density quantitative trait locus 1; Autosomal dominant osteopetrosis 1; Polycystic liver disease 4 with or without kidney cysts. Last evaluated: 2024-05-12. Review status: criteria provided, single submitter. Criteria: ACMG Guidelines, 2015. Collection method: clinical testing. Allele origin: germline.

Mayo Clinic Laboratories, Mayo Clinic
Classification: Uncertain significance. Last evaluated: 2023-12-21. Review status: criteria provided, single submitter. Criteria: ACMG Guidelines, 2015. Collection method: clinical testing. Allele origin: germline. Observed: 1 variant allele.
Comment: PP2